The following is an entry in ClinVar:

ClinVar aggregate classification (germline): Uncertain significance. Review status: criteria provided, multiple submitters, no conflicts (2 of 4 stars). 4 submissions from 4 submitters: Uncertain significance (4). Last evaluated 2025-08-08.

Conditions:
Hereditary cancer-predisposing syndrome. Also called: Hereditary Cancer Syndrome; Neoplastic Syndromes, Hereditary; Tumor predisposition; Hereditary neoplastic syndrome. Identifiers: Orphanet 140162, MedGen C0027672, MeSH D009386, MONDO:0015356.
Familial cancer of breast. Also called: BREAST CANCER, FAMILIAL; Hereditary breast cancer; hereditary breast carcinoma. Identifiers: Orphanet 227535, MedGen C0346153, MONDO:0016419, OMIM 114480. Disease mechanism: loss of function.
Fanconi anemia complementation group J. Also called: BRIP1-Related Fanconi Anemia. Identifiers: Orphanet 84, MedGen C1836860, MONDO:0012187, OMIM 609054.

Submissions (4):

Ambry Genetics
Classification: Uncertain significance for Hereditary cancer-predisposing syndrome. Last evaluated: 2025-08-08. Review status: criteria provided, single submitter. Criteria: Ambry Variant Classification Scheme 2023. Collection method: clinical testing. Allele origin: germline.
Comment: The p.H871Y variant (also known as c.2611C>T), located in coding exon 18 of the BRIP1 gene, results from a C to T substitution at nucleotide position 2611. The histidine at codon 871 is replaced by tyrosine, an amino acid with similar properties. This amino acid position is highly conserved in available vertebrate species. In addition, the in silico prediction for this alteration is inconclusive. Based on the available evidence, the clinical significance of this variant remains unclear.

Labcorp Genetics (formerly Invitae), Labcorp
Classification: Uncertain significance for Familial cancer of breast; Fanconi anemia complementation group J. Last evaluated: 2024-08-20. Review status: criteria provided, single submitter. Criteria: Invitae Variant Classification Sherloc (09022015). Collection method: clinical testing. Allele origin: germline.
Comment: This sequence change replaces histidine, which is basic and polar, with tyrosine, which is neutral and polar, at codon 871 of the BRIP1 protein (p.His871Tyr). This variant is not present in population databases (gnomAD no frequency). This variant has not been reported in the literature in individuals affected with BRIP1-related conditions. ClinVar contains an entry for this variant (Variation ID: 186871). Invitae Evidence Modeling of protein sequence and biophysical properties (such as structural, functional, and spatial information, amino acid conservation, physicochemical variation, residue mobility, and thermodynamic stability) indicates that this missense variant is not expected to disrupt BRIP1 protein function with a negative predictive value of 80%. In summary, the available evidence is currently insufficient to determine the role of this variant in disease. Therefore, it has been classified as a Variant of Uncertain Significance.

GeneDx
Classification: Uncertain significance. Last evaluated: 2024-01-26. Review status: criteria provided, single submitter. Criteria: GeneDx Variant Classification Process June 2021. Collection method: clinical testing. Allele origin: germline. Affected: yes.
Comment: Not observed at significant frequency in large population cohorts (gnomAD); In silico analysis supports that this missense variant does not alter protein structure/function; Has not been previously published as pathogenic or benign to our knowledge

Color Diagnostics, LLC DBA Color Health
Classification: Uncertain significance for Hereditary cancer-predisposing syndrome. Last evaluated: 2023-12-04. Review status: criteria provided, single submitter. Criteria: ACMG Guidelines, 2015. Collection method: clinical testing. Allele origin: germline.
Comment: This missense variant replaces histidine with tyrosine at codon 871 of the BRIP1 protein. Computational prediction suggests that this variant may not impact protein structure and function (internally defined REVEL score threshold <= 0.5, PMID: 27666373). To our knowledge, functional studies have not been reported for this variant. This variant has not been reported in individuals affected with BRIP1-related disorders in the literature. This variant has not been identified in the general population by the Genome Aggregation Database (gnomAD). The available evidence is insufficient to determine the role of this variant in disease conclusively. Therefore, this variant is classified as a Variant of Uncertain Significance.

NM_032043.3(BRIP1):c.2611C>T (p.His871Tyr)

Gene: BRIP1 (BRCA1 interacting DNA helicase 1; minus strand). Cytogenetic location: 17q23.2.
Variant type: single nucleotide variant.
Coding change: c.2611C>T on transcript NM_032043.3 (MANE Select); coding-DNA position 2611, C replaced by T.
Protein change: p.His871Tyr; replaces histidine 871 with tyrosine.
Molecular consequence: missense variant.
Genome position (GRCh38, 1-based): chr17:61,686,130, G>A on the plus strand (C>T on the coding strand, the complement: BRIP1 is on the minus strand). VCF-style: chr17-61686130-G-A. GRCh37 (hg19) VCF-style: chr17-59763491-G-A.
Other names: short protein forms H871Y.
Identifiers: ClinVar variation 186871 (VCV000186871.20), dbSNP rs786203288, ClinGen allele CA196097.
Genomic context (GRCh38, chr17:61,686,130, plus strand): 5'-CTTTTTGATGCTTTTTGGAAAATTCAGCCAAGGATTCCAGTGCACTTTCAAAGGTTGAAT[G>A]GTGCTGAATCTGCTGCCGTACCCATTTAGAAAGTCCTAAAGAAAAAGGTAAACCCAGGGA-3'
Protein context (NP_114432.2, residues 861-881): SKWVRQQIQH[His871Tyr]STFESALESL